The following is an entry in ClinVar:

ClinVar aggregate classification (germline): Uncertain significance. Review status: criteria provided, multiple submitters, no conflicts (2 of 4 stars). 2 submissions from 2 submitters: Uncertain significance (2). Last evaluated 2025-12-05.

Conditions:
Inborn genetic diseases. Identifiers: MedGen C0950123, MeSH D030342.

gnomAD v4.1: 2 of 1,603,484 alleles (0.00012%); highest among the groups gnomAD compares: Admixed American, 0.0017%; no homozygotes.

Submissions (2):

Ambry Genetics
Classification: Uncertain significance for Inborn genetic diseases. Last evaluated: 2025-12-05. Review status: criteria provided, single submitter. Criteria: Ambry Variant Classification Scheme 2023. Collection method: clinical testing. Allele origin: germline.

Labcorp Genetics (formerly Invitae), Labcorp
Classification: Uncertain significance. Last evaluated: 2024-04-02. Review status: criteria provided, single submitter. Criteria: Invitae Variant Classification Sherloc (09022015). Collection method: clinical testing. Allele origin: germline.
Comment: This sequence change replaces threonine, which is neutral and polar, with serine, which is neutral and polar, at codon 426 of the NALCN protein (p.Thr426Ser). This variant is not present in population databases (gnomAD no frequency). This variant has not been reported in the literature in individuals affected with NALCN-related conditions. Advanced modeling of protein sequence and biophysical properties (such as structural, functional, and spatial information, amino acid conservation, physicochemical variation, residue mobility, and thermodynamic stability) performed at Invitae indicates that this missense variant is expected to disrupt NALCN protein function with a positive predictive value of 80%. In summary, the available evidence is currently insufficient to determine the role of this variant in disease. Therefore, it has been classified as a Variant of Uncertain Significance.

NM_052867.4(NALCN):c.1276A>T (p.Thr426Ser)

Gene: NALCN (sodium leak channel, non-selective; minus strand). Cytogenetic location: 13q33.1.
Variant type: single nucleotide variant.
Coding change: c.1276A>T on transcript NM_052867.4 (MANE Select); coding-DNA position 1276, A replaced by T.
Protein change: p.Thr426Ser; replaces threonine 426 with serine.
Molecular consequence: missense variant.
Genome position (GRCh38, 1-based): chr13:101,237,913, T>A on the plus strand (A>T on the coding strand, the complement: NALCN is on the minus strand). VCF-style: chr13-101237913-T-A. GRCh37 (hg19) VCF-style: chr13-101890264-T-A.
Other names: c.1276A>T, p.Thr426Ser (NM_001350748.2, NM_001350749.2); c.1189A>T, p.Thr397Ser (NM_001350750.2, NM_001350751.2); c.1276A>T (NM_052867.2); short protein forms T397S, T426S.
Identifiers: ClinVar variation 3629049 (VCV003629049.3).